The following is an entry in ClinVar:

ClinVar aggregate classification (germline): Likely benign (1 of 4 stars; one submission).

Allele frequency attached by ClinVar (database versions not stated): gnomAD 0.00010; TOPMed 0.00015.

Submission:

GeneDx
Classification: Likely benign. Last evaluated: 2017-11-10. Review status: criteria provided, single submitter. Criteria: GeneDx Variant Classification (06012015). Collection method: clinical testing. Allele origin: germline. Affected: yes.
Comment: This variant is considered likely benign or benign based on one or more of the following criteria: it is a conservative change, it occurs at a poorly conserved position in the protein, it is predicted to be benign by multiple in silico algorithms, and/or has population frequency not consistent with disease.

NM_032861.4(SERAC1):c.-7C>T

Gene: SERAC1 (serine active site containing 1; minus strand). Cytogenetic location: 6q25.3.
Variant type: single nucleotide variant.
Coding change: c.-7C>T on transcript NM_032861.4 (MANE Select); 7 bases upstream of the start codon, C replaced by T.
Molecular consequence: 5 prime UTR variant. On other transcripts: non-coding transcript variant (1).
Genome position (GRCh38, 1-based): chr6:158,168,145, G>A on the plus strand (C>T on the coding strand, the complement: SERAC1 is on the minus strand). VCF-style: chr6-158168145-G-A. GRCh37 (hg19) VCF-style: chr6-158589177-G-A.
Identifiers: ClinVar variation 513092 (VCV000513092.1), dbSNP rs900755711, ClinGen allele CA150899050.